The following is an entry in ClinVar:

ClinVar aggregate classification (germline): Uncertain significance (1 of 4 stars; one submission).

Conditions:
Leigh syndrome (NULS). Also called: Leigh's necrotizing encephalopathy; Leigh's disease; Leigh Syndrome (mtDNA deletion); Leigh Disease; Subacute necrotizing encephalopathy; Necrotizing encephalopathy infantile subacute of Leigh. Identifiers: Orphanet 506, MedGen C2931891, MONDO:0009723, OMIM 256000.

Submission:

Wong Mito Lab, Molecular and Human Genetics, Baylor College of Medicine
Classification: Uncertain significance for Leigh syndrome. Last evaluated: 2019-10-17. Review status: criteria provided, single submitter. Criteria: Modified ACMG Guidelines (Unpublished). Collection method: clinical testing. Allele origin: germline.
Comment: The NC_012920.1:m.8720G>C (YP_003024031.1:p.Gly65Ala) variant in MTATP6 gene is interpretated to be a Uncertain Significance variant based on the modified ACMG guidelines (unpublished). This variant meets the following evidence codes: PP4

NC_012920.1(MT-ATP6):m.8720G>C

Gene: MT-ATP6 (mitochondrially encoded ATP synthase 6; plus strand).
Variant type: single nucleotide variant.
Genome position: chrM-8720-G-C.
Identifiers: ClinVar variation 692962 (VCV000692962.1), dbSNP rs1603221728, ClinGen allele CA414797654.
Genomic context (GRCh38, chrMT:8,720, plus strand): 5'-CCCAACAATGACTAATCAAACTAACCTCAAAACAAATGATAACCATACACAACACTAAAG[G>C]ACGAACCTGATCTCTTATACTAGTATCCTTAATCATTTTTATTGCCACAACTAACCTCCT-3'